The following is an entry in ClinVar:

ClinVar aggregate classification (germline): Pathogenic. Review status: criteria provided, single submitter (1 of 4 stars). 2 submissions from 2 submitters: Pathogenic (1). 1 of the submissions does not count toward it. Last evaluated 2024-06-17.

Conditions:
Pyruvate dehydrogenase E1-alpha deficiency (PDHAD). Also called: ATAXIA, INTERMITTENT, WITH ABNORMAL PYRUVATE METABOLISM; ATAXIA, INTERMITTENT, WITH PYRUVATE DEHYDROGENASE DEFICIENCY; ATAXIA WITH LACTIC ACIDOSIS I; Ataxia, intermittent, with pyruvate dehydrogenase, or decarboxylase, deficiency. Identifiers: Orphanet 79243, MedGen C1839413, MONDO:0010717, OMIM 312170.

Submissions (2):

Labcorp Genetics (formerly Invitae), Labcorp
Classification: Pathogenic for Pyruvate dehydrogenase E1-alpha deficiency. Last evaluated: 2024-06-17. Review status: criteria provided, single submitter. Criteria: Invitae Variant Classification Sherloc (09022015). Collection method: clinical testing. Allele origin: germline.
Comment: This sequence change replaces proline, which is neutral and non-polar, with leucine, which is neutral and non-polar, at codon 172 of the PDHA1 protein (p.Pro172Leu). This variant is not present in population databases (gnomAD no frequency). This missense change has been observed in individual(s) with PDHA1-related conditions (PMID: 16981164, 20002461). In at least one individual the variant was observed to be de novo. Advanced modeling of protein sequence and biophysical properties (such as structural, functional, and spatial information, amino acid conservation, physicochemical variation, residue mobility, and thermodynamic stability) performed at Invitae indicates that this missense variant is expected to disrupt PDHA1 protein function with a positive predictive value of 95%. For these reasons, this variant has been classified as Pathogenic.

PDHA1 Study Group, University Children’s Hospital, Paracelsus Medical University
Classification: Likely pathogenic for Pyruvate dehydrogenase E1-alpha deficiency. Last evaluated: 2024-10-15. Review status: no assertion criteria provided. Collection method: research. Allele origin: de novo. Affected: yes. Observed: 1 variant allele. Not counted in ClinVar's aggregate classification.
Comment: The NM_000284.3:c.515C>T (p.Pro172Leu) substitution is a missense variant in PDHA1 gene. Among them, 1 case had confirmed de novo occurrence. The variant has been reported in 1 published case (PMIDs: 20002461). Last literature search: July 12, 2024. This variant is absent or extremely rare in population-based cohorts in the Genome Aggregation Database (gnomAD). Individuals harboring this variant presented with clinical features compatible with PDHA1-related PDHc deficiency. In summary, this variant meets criteria to be classified as likely pathogenic (LP) for PDHA1-related PDHc deficiency based on the ACMG/AMP criteria applied: PS2, PM1, PM2, PP3 (last assessment October 15, 2024).

Literature cited by the submitters: PubMed 16981164 (cited by Labcorp Genetics (formerly Invitae), Labcorp); PubMed 20002461 (cited by Labcorp Genetics (formerly Invitae), Labcorp and PDHA1 Study Group, University Children’s Hospital, Paracelsus Medical University); DOI 10.1093/brain/awaf430 (cited by PDHA1 Study Group, University Children’s Hospital, Paracelsus Medical University).

NM_000284.4(PDHA1):c.515C>T (p.Pro172Leu)

Gene: PDHA1 (pyruvate dehydrogenase E1 subunit alpha 1; plus strand). Cytogenetic location: Xp22.12.
Variant type: single nucleotide variant.
Coding change: c.515C>T on transcript NM_000284.4 (MANE Select); coding-DNA position 515, C replaced by T.
Protein change: p.Pro172Leu; replaces proline 172 with leucine.
Molecular consequence: missense variant. On other transcripts: intron variant (1).
Genome position (GRCh38, 1-based): chrX:19,354,495, C>T. VCF-style: chrX-19354495-C-T. GRCh37 (hg19) VCF-style: chrX-19372613-C-T.
Other names: c.629C>T, p.Pro210Leu (NM_001173454.2); c.536C>T, p.Pro179Leu (NM_001173455.2); c.511-854C>T (NM_001173456.2); c.515C>T (NM_000284.3); short protein forms P179L, P172L, P210L.
Identifiers: ClinVar variation 2737100 (VCV002737100.4), dbSNP rs2518498625, ClinGen allele CA412393848.